The following is an entry in ClinVar:

ClinVar aggregate classification (germline): Benign/Likely benign. Review status: criteria provided, multiple submitters, no conflicts (2 of 4 stars). 3 submissions from 3 submitters: Benign (1); Likely benign (2). Last evaluated 2025-02-07.

Conditions:
Hereditary cancer-predisposing syndrome. Also called: Neoplastic Syndromes, Hereditary; Tumor predisposition; Hereditary neoplastic syndrome; Hereditary Cancer Syndrome. Identifiers: Orphanet 140162, MedGen C0027672, MeSH D009386, MONDO:0015356.
POLD1-related polyposis and colorectal cancer syndrome (CRCS10). Also called: COLORECTAL CANCER, SUSCEPTIBILITY TO, ON CHROMOSOME 19q; Colorectal cancer 10; Colorectal cancer, susceptibility to, 10. Identifiers: Orphanet 220460, MedGen C2675481, MONDO:0012953, OMIM 612591.

Allele frequency attached by ClinVar (database versions not stated): gnomAD exomes below 0.00001; gnomAD 0.00001.
gnomAD v4.1: 2 of 1,613,376 alleles (0.00012%); highest among the groups gnomAD compares: South Asian, 0.0011%; no homozygotes.

Submissions (3):

Myriad Genetics, Inc.
Classification: Benign for POLD1-related polyposis and colorectal cancer syndrome. Last evaluated: 2025-02-07. Review status: criteria provided, single submitter. Criteria: Myriad Autosomal Dominant, Autosomal Recessive and X-Linked Classification Criteria (2023). Collection method: clinical testing. Allele origin: unknown.
Comment: This variant is considered benign. This variant is a silent/synonymous amino acid change and it is not expected to impact splicing.

Labcorp Genetics (formerly Invitae), Labcorp
Classification: Likely benign for POLD1-related polyposis and colorectal cancer syndrome. Last evaluated: 2023-03-03. Review status: criteria provided, single submitter. Criteria: Invitae Variant Classification Sherloc (09022015). Collection method: clinical testing. Allele origin: germline.

Ambry Genetics
Classification: Likely benign for Hereditary cancer-predisposing syndrome. Last evaluated: 2020-12-16. Review status: criteria provided, single submitter. Criteria: Ambry Variant Classification Scheme 2023. Collection method: clinical testing. Allele origin: germline.

NM_002691.4(POLD1):c.1636C>T (p.Leu546=)

Gene: POLD1 (DNA polymerase delta 1, catalytic subunit; plus strand). Cytogenetic location: 19q13.33.
Variant type: single nucleotide variant.
Coding change: c.1636C>T on transcript NM_002691.4 (MANE Select); coding-DNA position 1636, C replaced by T.
Protein change: p.Leu546=; no amino-acid change (leucine 546 retained).
Molecular consequence: synonymous variant. On other transcripts: non-coding transcript variant (1).
Genome position (GRCh38, 1-based): chr19:50,407,124, C>T. VCF-style: chr19-50407124-C-T. GRCh37 (hg19) VCF-style: chr19-50910381-C-T.
Other names: c.1636C>T, p.Leu546= (NM_001256849.1, NM_001308632.1).
Identifiers: ClinVar variation 1776935 (VCV001776935.6), dbSNP rs1263352176, ClinGen allele CA508184052.
Genomic context (GRCh38, chr19:50,407,124, plus strand): 5'-CTCATGGTGCTGGTGAACGCCGTGGAGATGGCGAGGGTCACTGGCGTGCCCCTCAGCTAC[C>T]TGCTCAGTCGTGGCCAGCAGGTCAAGGTCGTATCCCAGCTGTTGCGGCAGGTCAGTAGCC-3'
Protein context (NP_002682.2, residues 536-556): ARVTGVPLSY[Leu546=]LSRGQQVKVV